The following is an entry in ClinVar:

NM_000038.6(APC):c.340C>T (p.Pro114Ser)

Gene: APC (APC regulator of Wnt signaling pathway; plus strand). Cytogenetic location: 5q22.2.
Variant type: single nucleotide variant.
Coding change: c.340C>T on transcript NM_000038.6 (MANE Select); coding-DNA position 340, C replaced by T.
Protein change: p.Pro114Ser; replaces proline 114 with serine.
Molecular consequence: missense variant. On other transcripts: 5 prime UTR variant (1).
Genome position (GRCh38, 1-based): chr5:112,767,308, C>T. VCF-style: chr5-112767308-C-T. GRCh37 (hg19) VCF-style: chr5-112103005-C-T.
Other names: c.340C>T, p.Pro114Ser (NM_001127510.3, NM_001354895.2, NM_001354896.2 and 2 more transcripts); c.370C>T, p.Pro124Ser (NM_001127511.3, NM_001354897.2, NM_001354902.2); c.265C>T, p.Pro89Ser (NM_001354898.2, NM_001354904.2); c.163C>T, p.Pro55Ser (NM_001354900.2, NM_001354901.2, NM_001354905.2); c.-696C>T (NM_001354906.2); short protein forms P55S, P114S, P89S, P124S.
Identifiers: ClinVar variation 1420850 (VCV001420850.10), dbSNP rs1580329044, ClinGen allele CA16022064.

ClinVar aggregate classification (germline): Uncertain significance. Review status: criteria provided, multiple submitters, no conflicts (2 of 4 stars). 3 submissions from 3 submitters: Uncertain significance (3). Last evaluated 2025-10-06.

Conditions:
Familial adenomatous polyposis 1 (FAP1). Also called: POLYPOSIS, ADENOMATOUS INTESTINAL; FAMILIAL ADENOMATOUS POLYPOSIS 1, ATTENUATED. Identifiers: MedGen C2713442, MONDO:0021056, OMIM 175100. Disease mechanism: loss of function.
Hereditary cancer-predisposing syndrome. Also called: Neoplastic Syndromes, Hereditary; Hereditary Cancer Syndrome; Hereditary neoplastic syndrome; Tumor predisposition. Identifiers: Orphanet 140162, MedGen C0027672, MeSH D009386, MONDO:0015356.

Allele frequency attached by ClinVar (database versions not stated): gnomAD exomes below 0.00001.

Submissions (3):

Color Diagnostics, LLC DBA Color Health
Classification: Uncertain significance for Hereditary cancer-predisposing syndrome. Last evaluated: 2025-10-06. Review status: criteria provided, single submitter. Criteria: ACMG Guidelines, 2015. Collection method: clinical testing. Allele origin: germline.
Comment: This missense variant replaces proline with serine at codon 114 of the APC protein. Computational prediction suggests that this variant may not impact protein structure and function. APC is defined as a gene for which primarily truncating variants are known to cause disease (ClinGen HCCP VCEP). To our knowledge, functional studies have not been reported for this variant. This variant has not been reported in individuals affected with APC-related disorders in the literature. This variant has been identified in 2/1461826 chromosomes in the general population by the Genome Aggregation Database (gnomAD). The available evidence is insufficient to determine the role of this variant in disease conclusively. Therefore, this variant is classified as a Variant of Uncertain Significance.

Ambry Genetics
Classification: Uncertain significance for Hereditary cancer-predisposing syndrome. Last evaluated: 2024-02-07. Review status: criteria provided, single submitter. Criteria: Ambry Variant Classification Scheme 2023. Collection method: clinical testing. Allele origin: germline.
Comment: The p.P114S variant (also known as c.340C>T), located in coding exon 3 of the APC gene, results from a C to T substitution at nucleotide position 340. The proline at codon 114 is replaced by serine, an amino acid with similar properties. This amino acid position is highly conserved in available vertebrate species. In addition, in silico predictors for this gene do not accurately predict pathogenicity. Since supporting evidence is limited at this time, the clinical significance of this alteration remains unclear.

Labcorp Genetics (formerly Invitae), Labcorp
Classification: Uncertain significance for Familial adenomatous polyposis 1. Last evaluated: 2022-07-09. Review status: criteria provided, single submitter. Criteria: Invitae Variant Classification Sherloc (09022015). Collection method: clinical testing. Allele origin: germline.
Comment: Algorithms developed to predict the effect of missense changes on protein structure and function (SIFT, PolyPhen-2, Align-GVGD) all suggest that this variant is likely to be disruptive. ClinVar contains an entry for this variant (Variation ID: 1420850). This variant has not been reported in the literature in individuals affected with APC-related conditions. This variant is not present in population databases (gnomAD no frequency). This sequence change replaces proline, which is neutral and non-polar, with serine, which is neutral and polar, at codon 114 of the APC protein (p.Pro114Ser). In summary, the available evidence is currently insufficient to determine the role of this variant in disease. Therefore, it has been classified as a Variant of Uncertain Significance.